The following is an entry in ClinVar:

ClinVar aggregate classification (germline): Uncertain significance (1 of 4 stars; one submission).

Conditions:
Polyglucosan body myopathy type 1 (PGBM1). Also called: Polyglucosan body myopathy 1 with or without immunodeficiency; POLYGLUCOSAN BODY MYOPATHY WITHOUT IMMUNODEFICIENCY. Identifiers: Orphanet 329173, Orphanet 397937, MedGen C4014605, MONDO:0014389, OMIM 615895.

Allele frequency attached by ClinVar (database versions not stated): ExAC 0.00004.
gnomAD v4.1: 7 of 1,588,918 alleles (0.00044%); highest among the groups gnomAD compares: African/African-American, 0.0027%; 1 homozygote.

Submission:

Labcorp Genetics (formerly Invitae), Labcorp
Classification: Uncertain significance for Polyglucosan body myopathy type 1. Last evaluated: 2022-07-20. Review status: criteria provided, single submitter. Criteria: Invitae Variant Classification Sherloc (09022015). Collection method: clinical testing. Allele origin: germline.
Comment: This variant has not been reported in the literature in individuals affected with RBCK1-related conditions. The frequency data for this variant in the population databases is considered unreliable, as metrics indicate poor data quality at this position in the gnomAD database. This sequence change replaces arginine, which is basic and polar, with cysteine, which is neutral and slightly polar, at codon 220 of the RBCK1 protein (p.Arg220Cys). Algorithms developed to predict the effect of missense changes on protein structure and function are either unavailable or do not agree on the potential impact of this missense change (SIFT: "Not Available"; PolyPhen-2: "Probably Damaging"; Align-GVGD: "Not Available"). In summary, the available evidence is currently insufficient to determine the role of this variant in disease. Therefore, it has been classified as a Variant of Uncertain Significance.

NM_031229.4(RBCK1):c.658C>T (p.Arg220Cys)

Gene: RBCK1 (RANBP2-type and C3HC4-type zinc finger containing 1; plus strand). Cytogenetic location: 20p13.
Variant type: single nucleotide variant.
Coding change: c.658C>T on transcript NM_031229.4 (MANE Select); coding-DNA position 658, C replaced by T.
Protein change: p.Arg220Cys; replaces arginine 220 with cysteine.
Molecular consequence: missense variant. On other transcripts: synonymous variant (2), non-coding transcript variant (1).
Genome position (GRCh38, 1-based): chr20:419,633, C>T. VCF-style: chr20-419633-C-T. GRCh37 (hg19) VCF-style: chr20-400277-C-T.
Other names: c.309C>T, p.Arg103= (NM_001323956.2, NM_001323958.2); c.709C>T, p.Arg237Cys (NM_001410770.1); c.532C>T, p.Arg178Cys (NM_006462.6); short protein forms R220C, R178C, R237C.
Identifiers: ClinVar variation 1938881 (VCV001938881.3), dbSNP rs767654656, ClinGen allele CA9723148.